The following is an entry in ClinVar:

ClinVar aggregate classification (germline): Uncertain significance. Review status: criteria provided, multiple submitters, no conflicts (2 of 4 stars). 2 submissions from 2 submitters: Uncertain significance (2). Last evaluated 2025-09-25.

Conditions:
Arrhythmogenic right ventricular cardiomyopathy (ARVD). Also called: Arrhythmogenic right ventricular dysplasia; Cardiomyopathy, ARVC; Arrhythmogenic cardiomyopathy; Arrhythmogenic Right Ventricular Cardiomyopathy (ARVC). Identifiers: Orphanet 247, MedGen C0349788, MeSH D019571, MONDO:0016587. Disease mechanism: loss of function. Inheritance: Various modes of inheritance.
Cardiovascular phenotype. Identifiers: MedGen CN230736.

Submissions (2):

Ambry Genetics
Classification: Uncertain significance for Cardiovascular phenotype. Last evaluated: 2025-09-25. Review status: criteria provided, single submitter. Criteria: Ambry Variant Classification Scheme 2023. Collection method: clinical testing. Allele origin: germline.

All of Us Research Program, National Institutes of Health
Classification: Uncertain significance for Arrhythmogenic right ventricular cardiomyopathy. Last evaluated: 2023-05-31. Review status: criteria provided, single submitter. Criteria: ACMG Guidelines, 2015. Collection method: clinical testing. Allele origin: germline. Inheritance: Autosomal dominant inheritance. Observed: 1 variant allele, 1 heterozygote.
Comment: This study involves interpretation of variants in research participants for the purpose of population health screening. Participant phenotype was not available at the time of variant classification. Additional details can be found in publication PMID: 35346344, PMCID: PMC8962531

NM_001943.5(DSG2):c.2984A>C (p.His995Pro)

Genes: DSG2 (desmoglein 2; plus strand), DSG2-AS1 (DSG2 antisense RNA 1; minus strand). Cytogenetic location: 18q12.1.
Variant type: single nucleotide variant.
Coding change: c.2984A>C on transcript NM_001943.5 (MANE Select); coding-DNA position 2984, A replaced by C.
Protein change: p.His995Pro; replaces histidine 995 with proline.
Molecular consequence: missense variant.
Genome position (GRCh38, 1-based): chr18:31,546,370, A>C. VCF-style: chr18-31546370-A-C. GRCh37 (hg19) VCF-style: chr18-29126333-A-C.
Other names: short protein forms H995P.
Identifiers: ClinVar variation 3069286 (VCV003069286.2), dbSNP rs1253735579, ClinGen allele CA402147654.